The following is an entry in ClinVar:

NM_016492.5(RANGRF):c.351+6G>A

Genes: RANGRF (RAN guanine nucleotide release factor; plus strand), SLC25A35 (solute carrier family 25 member 35; minus strand). Cytogenetic location: 17p13.1.
Variant type: single nucleotide variant.
Coding change: c.351+6G>A on transcript NM_016492.5 (MANE Select); 6 bases into the intron after coding-DNA position 351, G replaced by A.
Molecular consequence: intron variant. On other transcripts: synonymous variant (1), 3 prime UTR variant (2), non-coding transcript variant (1).
Genome position (GRCh38, 1-based): chr17:8,289,420, G>A. VCF-style: chr17-8289420-G-A. GRCh37 (hg19) VCF-style: chr17-8192738-G-A.
Other names: c.357G>A, p.Arg119= (NM_001177802.2); c.*63C>T (NM_001320872.2); c.*196C>T (NM_201520.3); c.*42+154C>T (NM_001320871.2); c.351+6G>A (NM_001177801.2, NM_001330127.2).
Identifiers: ClinVar variation 2887158 (VCV002887158.3), dbSNP rs2543868972, ClinGen allele CA2739267112.

ClinVar aggregate classification (germline): Uncertain significance (1 of 4 stars; one submission).

Conditions:
Cardiac arrhythmia. Also called: Cardiac rhythm disease; Arrhythmia. Identifiers: MedGen C0003811, MONDO:0007263, HP:0011675.

Submission:

Labcorp Genetics (formerly Invitae), Labcorp
Classification: Uncertain significance for Cardiac arrhythmia. Last evaluated: 2025-07-27. Review status: criteria provided, single submitter. Criteria: Invitae Variant Classification Sherloc (09022015). Collection method: clinical testing. Allele origin: germline.
Comment: This sequence change falls in intron 3 of the RANGRF gene. It does not directly change the encoded amino acid sequence of the RANGRF protein. It affects a nucleotide within the consensus splice site. This variant is not present in population databases (gnomAD no frequency). This variant has not been reported in the literature in individuals affected with RANGRF-related conditions. ClinVar contains an entry for this variant (Variation ID: 2887158). Variants that disrupt the consensus splice site are a relatively common cause of aberrant splicing (PMID: 17576681, 9536098). Algorithms developed to predict the effect of sequence changes on RNA splicing suggest that this variant is not likely to affect RNA splicing. In summary, the available evidence is currently insufficient to determine the role of this variant in disease. Therefore, it has been classified as a Variant of Uncertain Significance.

Literature cited by the submitters: PubMed 17576681; PubMed 9536098.